The following is an entry in ClinVar:

ClinVar aggregate classification (germline): Conflicting classifications of pathogenicity. Review status: criteria provided, conflicting classifications (1 of 4 stars). 2 submissions from 2 submitters: Pathogenic (1); Uncertain significance (1). Last evaluated 2025-10-19.

Conditions:
Osteogenesis imperfecta type I (OI1). Also called: OI, TYPE I; OSTEOGENESIS IMPERFECTA TARDA; OSTEOGENESIS IMPERFECTA WITH BLUE SCLERAE; Osteogenesis imperfecta type 1; Lobstein's Disease; Lobstein disease. Identifiers: Orphanet 216796, Orphanet 666, MedGen C0023931, MONDO:0008146, OMIM 166200. Disease mechanism: loss of function.

Submissions (2):

Labcorp Genetics (formerly Invitae), Labcorp
Classification: Pathogenic for Osteogenesis imperfecta type I. Last evaluated: 2025-10-19. Review status: criteria provided, single submitter. Criteria: Invitae Variant Classification Sherloc (09022015). Collection method: clinical testing. Allele origin: germline.
Comment: This variant, c.1131_1139del, results in the deletion of 3 amino acid(s) of the COL1A1 protein (p.Pro378_Gly380del), but otherwise preserves the integrity of the reading frame. This variant is not present in population databases (gnomAD no frequency). This variant has not been reported in the literature in individuals affected with COL1A1-related conditions. This variant disrupts the triple helix domain of COL1A1. Glycine residues within the Gly-Xaa-Yaa repeats of the triple helix domain are required for the structure and stability of fibrillar collagens (PMID: 7695699, 8218237, 19344236). In COL1A1, variants affecting these glycine residues are significantly enriched in individuals with disease (PMID: 9016532, 17078022) compared to the general population (ExAC). This variant disrupts a region of the COL1A1 protein in which other variant(s) (p.Gly380) have been determined to be pathogenic (PMID: 24668929, 30715774, 31414283). This suggests that this is a clinically significant region of the protein, and that variants that disrupt it are likely to be disease-causing. For these reasons, this variant has been classified as Pathogenic.

Blueprint Genetics
Classification: Uncertain significance. Last evaluated: 2024-09-03. Review status: criteria provided, single submitter. Criteria: ACMG Guidelines, 2015. Collection method: clinical testing. Allele origin: germline.

Literature cited by the submitters: PubMed 7695699 (cited by Labcorp Genetics (formerly Invitae), Labcorp); PubMed 8218237 (cited by Labcorp Genetics (formerly Invitae), Labcorp); PubMed 19344236 (cited by Labcorp Genetics (formerly Invitae), Labcorp); PubMed 9016532 (cited by Labcorp Genetics (formerly Invitae), Labcorp); PubMed 17078022 (cited by Labcorp Genetics (formerly Invitae), Labcorp); PubMed 24668929 (cited by Labcorp Genetics (formerly Invitae), Labcorp); PubMed 30715774 (cited by Labcorp Genetics (formerly Invitae), Labcorp); PubMed 31414283 (cited by Labcorp Genetics (formerly Invitae), Labcorp).

NM_000088.4(COL1A1):c.1131_1139del (p.Pro378_Gly380del)

Gene: COL1A1 (collagen type I alpha 1 chain; minus strand). Cytogenetic location: 17q21.33.
Variant type: Deletion.
Coding change: c.1131_1139del on transcript NM_000088.4 (MANE Select); coding-DNA positions 1131 to 1139, 9 bases deleted (CCCTGCTGG; older notation c.1131_1139delCCCTGCTGG).
Protein change: p.Pro378_Gly380del.
Molecular consequence: inframe deletion.
Genome position (GRCh38, 1-based): chr17:50,195,583-50,195,591, CCAGCAGGG deleted on the plus strand (CCCTGCTGG on the coding strand, the reverse complement: COL1A1 is on the minus strand); deleting any 9 consecutive bases within chr17:50,195,583-50,195,595 gives the same sequence; the c. name uses the placement nearest the transcript's 3' end. VCF-style (leftmost placement, unchanged base first): chr17-50195582-ACCAGCAGGG-A. GRCh37 (hg19) VCF-style: chr17-48272943-ACCAGCAGGG-A.
Identifiers: ClinVar variation 4729155 (VCV004729155.2).
Genomic context (GRCh38, chr17:50,195,582, plus strand): 5'-GAGGTTAGAAAGTGGCAAAGGGGACACTGAGTCGGGGACACTTACAGCAGGGCCAGCAGC[ACCAGCAGGG>A]CCAGGGGGGCCAGGCTCACCACGCACACCCTGGGGACCTTCAGAGCCTCGGGGCCCTTGG-3'